The following is an entry in ClinVar:

NM_001364171.2(ODAD1):c.1629CGC[3] (p.Ala547del)

Gene: ODAD1 (outer dynein arm docking complex subunit 1; minus strand). Cytogenetic location: 19q13.33.
Variant type: Microsatellite.
Coding change: c.1629CGC[3] on transcript NM_001364171.2 (MANE Select); three copies in a row of the 3-base unit CGC starting at c.1629; the reference has four copies in a row; one copy, 3 bases deleted.
Protein change: p.Ala547del; deletes alanine 547.
Molecular consequence: inframe deletion.
Genome position (GRCh38, 1-based): chr19:48,297,460-48,297,462, GCG deleted on the plus strand (CGC on the coding strand, the reverse complement: ODAD1 is on the minus strand); deleting any 3 consecutive bases within chr19:48,297,460-48,297,473 gives the same sequence; the position shown is the placement nearest the transcript's 3' end. VCF-style (leftmost placement, unchanged base first): chr19-48297459-CGCG-C. GRCh37 (hg19) VCF-style: chr19-48800716-CGCG-C.
Other names: c.1518CGC[3], p.Ala510del (NM_144577.4); short protein forms A510del, A547del.
Identifiers: ClinVar variation 2157882 (VCV002157882.4), dbSNP rs761748771, ClinGen allele CA9548594.

ClinVar aggregate classification (germline): Uncertain significance (1 of 4 stars; one submission).

Conditions:
Primary ciliary dyskinesia. Also called: Ciliary dyskinesia. Identifiers: Orphanet 244, MedGen C0008780, MONDO:0016575, HP:0012265.

Submission:

Labcorp Genetics (formerly Invitae), Labcorp
Classification: Uncertain significance for Primary ciliary dyskinesia. Last evaluated: 2024-10-28. Review status: criteria provided, single submitter. Criteria: Invitae Variant Classification Sherloc (09022015). Collection method: clinical testing. Allele origin: germline.
Comment: This variant, c.1527_1529del, results in the deletion of 1 amino acid(s) of the CCDC114 protein (p.Ala510del), but otherwise preserves the integrity of the reading frame. The frequency data for this variant in the population databases is considered unreliable, as metrics indicate poor data quality at this position in the gnomAD database. This variant has not been reported in the literature in individuals affected with CCDC114-related conditions. In summary, the available evidence is currently insufficient to determine the role of this variant in disease. Therefore, it has been classified as a Variant of Uncertain Significance.